The following is an entry in ClinVar:

NM_020812.4(DOCK6):c.1069C>G (p.Pro357Ala)

Gene: DOCK6 (dedicator of cytokinesis 6; minus strand). Cytogenetic location: 19p13.2.
Variant type: single nucleotide variant.
Coding change: c.1069C>G on transcript NM_020812.4 (MANE Select); coding-DNA position 1069, C replaced by G.
Protein change: p.Pro357Ala; replaces proline 357 with alanine.
Molecular consequence: missense variant.
Genome position (GRCh38, 1-based): chr19:11,243,837, G>C on the plus strand (C>G on the coding strand, the complement: DOCK6 is on the minus strand). VCF-style: chr19-11243837-G-C. GRCh37 (hg19) VCF-style: chr19-11354513-G-C.
Other names: c.1069C>G, p.Pro357Ala (NM_001367830.1); short protein forms P357A.
Identifiers: ClinVar variation 2071462 (VCV002071462.1), dbSNP rs1269803988, ClinGen allele CA404111026.

ClinVar aggregate classification (germline): Uncertain significance (1 of 4 stars; one submission).

Allele frequency attached by ClinVar (database versions not stated): TOPMed below 0.00001.

Submission:

Labcorp Genetics (formerly Invitae), Labcorp
Classification: Uncertain significance. Last evaluated: 2022-07-11. Review status: criteria provided, single submitter. Criteria: Invitae Variant Classification Sherloc (09022015). Collection method: clinical testing. Allele origin: germline.
Comment: This sequence change replaces proline, which is neutral and non-polar, with alanine, which is neutral and non-polar, at codon 357 of the DOCK6 protein (p.Pro357Ala). This variant is not present in population databases (gnomAD no frequency). This variant has not been reported in the literature in individuals affected with DOCK6-related conditions. Algorithms developed to predict the effect of missense changes on protein structure and function are either unavailable or do not agree on the potential impact of this missense change (SIFT: "Deleterious"; PolyPhen-2: "Probably Damaging"; Align-GVGD: "Class C0"). In summary, the available evidence is currently insufficient to determine the role of this variant in disease. Therefore, it has been classified as a Variant of Uncertain Significance.